The following is an entry in ClinVar:

NM_000368.5(TSC1):c.79G>C (p.Ala27Pro)

Gene: TSC1 (TSC complex subunit 1; minus strand). Cytogenetic location: 9q34.13.
Variant type: single nucleotide variant.
Coding change: c.79G>C on transcript NM_000368.5 (MANE Select); coding-DNA position 79, G replaced by C.
Protein change: p.Ala27Pro; replaces alanine 27 with proline.
Molecular consequence: missense variant. On other transcripts: 5 prime UTR variant (1).
Genome position (GRCh38, 1-based): chr9:132,928,794, C>G on the plus strand (G>C on the coding strand, the complement: TSC1 is on the minus strand). VCF-style: chr9-132928794-C-G. GRCh37 (hg19) VCF-style: chr9-135804181-C-G.
Other names: c.79G>C, p.Ala27Pro (NM_001162426.2, NM_001162427.2); c.-181G>C (NM_001362177.2); short protein forms A27P.
Identifiers: ClinVar variation 938309 (VCV000938309.9), dbSNP rs1847033606, ClinGen allele CA375375313.
Genomic context (GRCh38, chr9:132,928,794, plus strand): 5'-AAGATAAGCTAAAAAGGATATTATTTTGCTAACCAGAATTGAGGTTCTCTTTAAAGACAG[C>G]TGTCACGTCGTCCCGCACACCCAGCATGGGGGAGTCCAGCATGGCAAGAAGCTCCCCGAC-3'
Protein context (NP_000359.1, residues 17-37): PMLGVRDDVT[Ala27Pro]VFKENLNSDR

ClinVar aggregate classification (germline): Uncertain significance (1 of 4 stars; one submission).

Conditions:
Tuberous sclerosis 1 (TSC1). Identifiers: Orphanet 805, MedGen C1854465, MONDO:0008612, OMIM 191100.

Submission:

Labcorp Genetics (formerly Invitae), Labcorp
Classification: Uncertain significance for Tuberous sclerosis 1. Last evaluated: 2024-04-15. Review status: criteria provided, single submitter. Criteria: Invitae Variant Classification Sherloc (09022015). Collection method: clinical testing. Allele origin: germline.
Comment: This sequence change replaces alanine, which is neutral and non-polar, with proline, which is neutral and non-polar, at codon 27 of the TSC1 protein (p.Ala27Pro). This variant is not present in population databases (gnomAD no frequency). This variant has not been reported in the literature in individuals affected with TSC1-related conditions. ClinVar contains an entry for this variant (Variation ID: 938309). Advanced modeling of protein sequence and biophysical properties (such as structural, functional, and spatial information, amino acid conservation, physicochemical variation, residue mobility, and thermodynamic stability) performed at Invitae indicates that this missense variant is not expected to disrupt TSC1 protein function with a negative predictive value of 80%. In summary, the available evidence is currently insufficient to determine the role of this variant in disease. Therefore, it has been classified as a Variant of Uncertain Significance.